The following is an entry in ClinVar:

ClinVar aggregate classification (germline): Conflicting classifications of pathogenicity. Review status: criteria provided, conflicting classifications (1 of 4 stars). 3 submissions from 3 submitters: Uncertain significance (2); Likely benign (1). Last evaluated 2026-01-26.

Conditions:
Isolated focal cortical dysplasia type II (FCORD2). Also called: Focal cortical dysplasia type II; CORTICAL DYSPLASIA OF TAYLOR. Identifiers: Orphanet 268994, MedGen C1846385, MONDO:0011818, OMIM 607341, HP:0032051.
Lymphangiomyomatosis (LAM). Also called: Lymphangioleiomyomatosis; Lymphangioleiomyomatosis, somatic. Identifiers: Orphanet 538, MedGen C0751674, MONDO:0011705, OMIM 606690.
Tuberous sclerosis 2 (TSC2). Identifiers: Orphanet 805, MedGen C1860707, MONDO:0013199, OMIM 613254.
Hereditary cancer-predisposing syndrome. Also called: Hereditary neoplastic syndrome; Neoplastic Syndromes, Hereditary; Hereditary Cancer Syndrome; Tumor predisposition. Identifiers: Orphanet 140162, MedGen C0027672, MeSH D009386, MONDO:0015356.

Allele frequency attached by ClinVar (database versions not stated): ExAC below 0.00001; gnomAD 0.00001; TOPMed 0.00001.
gnomAD v4.1: 2 of 1,598,472 alleles (0.00013%); highest among the groups gnomAD compares: African/African-American, 0.0027%; no homozygotes.

Submissions (3):

Labcorp Genetics (formerly Invitae), Labcorp
Classification: Uncertain significance for Tuberous sclerosis 2. Last evaluated: 2026-01-26. Review status: criteria provided, single submitter. Criteria: Invitae Variant Classification Sherloc (09022015). Collection method: clinical testing. Allele origin: germline.
Comment: This sequence change replaces serine, which is neutral and polar, with cysteine, which is neutral and slightly polar, at codon 1487 of the TSC2 protein (p.Ser1487Cys). This variant is not present in population databases (gnomAD no frequency). This variant has not been reported in the literature in individuals affected with TSC2-related conditions. ClinVar contains an entry for this variant (Variation ID: 570942). Invitae Evidence Modeling of protein sequence and biophysical properties (such as structural, functional, and spatial information, amino acid conservation, physicochemical variation, residue mobility, and thermodynamic stability) indicates that this missense variant is not expected to disrupt TSC2 protein function with a negative predictive value of 95%. In summary, the available evidence is currently insufficient to determine the role of this variant in disease. Therefore, it has been classified as a Variant of Uncertain Significance.

Ambry Genetics
Classification: Likely benign for Hereditary cancer-predisposing syndrome. Last evaluated: 2024-09-09. Review status: criteria provided, single submitter. Criteria: Ambry Variant Classification Scheme 2023. Collection method: clinical testing. Allele origin: germline.

Fulgent Genetics
Classification: Uncertain significance for Lymphangiomyomatosis; Isolated focal cortical dysplasia type II; Tuberous sclerosis 2. Last evaluated: 2022-02-21. Review status: criteria provided, single submitter. Criteria: ACMG Guidelines, 2015. Collection method: clinical testing. Allele origin: unknown.

Literature cited by the submitters: PubMed 22558107 (cited by Ambry Genetics).

NM_000548.5(TSC2):c.4460C>G (p.Ser1487Cys)

Gene: TSC2 (TSC complex subunit 2; plus strand). Cytogenetic location: 16p13.3.
Variant type: single nucleotide variant.
Coding change: c.4460C>G on transcript NM_000548.5 (MANE Select); coding-DNA position 4460, C replaced by G.
Protein change: p.Ser1487Cys; replaces serine 1487 with cysteine.
Molecular consequence: missense variant.
Genome position (GRCh38, 1-based): chr16:2,084,682, C>G. VCF-style: chr16-2084682-C-G. GRCh37 (hg19) VCF-style: chr16-2134683-C-G.
Other names: c.4259C>G, p.Ser1420Cys (NM_001077183.3); c.4391C>G, p.Ser1464Cys (NM_001114382.3); c.4151C>G, p.Ser1384Cys (NM_001318827.2); c.4115C>G, p.Ser1372Cys (NM_001318829.2); c.3728C>G, p.Ser1243Cys (NM_001318831.2); c.4292C>G, p.Ser1431Cys (NM_001318832.2); c.4262C>G, p.Ser1421Cys (NM_001363528.2); c.4328C>G, p.Ser1443Cys (NM_001370404.1); and 1 more; short protein forms S1487C, S1372C, S1384C, S1431C, S1464C, S1444C, S1243C, S1420C.
Identifiers: ClinVar variation 570942 (VCV000570942.11), dbSNP rs766916450, ClinGen allele CA051248.